The following is an entry in ClinVar:

ClinVar aggregate classification (germline): Uncertain significance (1 of 4 stars; one submission).

Conditions:
Combined immunodeficiency due to ZAP70 deficiency (IMD48). Also called: ZAP70 Deficiency; Immunodeficiency 48. Identifiers: Orphanet 911, MedGen C2931299, MONDO:0010023, OMIM 269840.

Allele frequency attached by ClinVar (database versions not stated): gnomAD 0.00001; ExAC 0.00004.

Submission:

Labcorp Genetics (formerly Invitae), Labcorp
Classification: Uncertain significance for Combined immunodeficiency due to ZAP70 deficiency. Last evaluated: 2024-02-17. Review status: criteria provided, single submitter. Criteria: Invitae Variant Classification Sherloc (09022015). Collection method: clinical testing. Allele origin: germline.
Comment: This sequence change falls in intron 3 of the ZAP70 gene. It does not directly change the encoded amino acid sequence of the ZAP70 protein. It affects a nucleotide within the consensus splice site. This variant is present in population databases (rs765313500, gnomAD 0.006%). This variant has not been reported in the literature in individuals affected with ZAP70-related conditions. ClinVar contains an entry for this variant (Variation ID: 1466173). Variants that disrupt the consensus splice site are a relatively common cause of aberrant splicing (PMID: 17576681, 9536098). Algorithms developed to predict the effect of sequence changes on RNA splicing suggest that this variant is not likely to affect RNA splicing. In summary, the available evidence is currently insufficient to determine the role of this variant in disease. Therefore, it has been classified as a Variant of Uncertain Significance.

Literature cited by the submitters: PubMed 17576681; PubMed 9536098.

NM_001079.4(ZAP70):c.402+6A>G

Gene: ZAP70 (zeta chain of T cell receptor associated protein kinase 70; plus strand). Cytogenetic location: 2q11.2.
Variant type: single nucleotide variant.
Coding change: c.402+6A>G on transcript NM_001079.4 (MANE Select); 6 bases into the intron after coding-DNA position 402, A replaced by G.
Molecular consequence: intron variant.
Genome position (GRCh38, 1-based): chr2:97,724,444, A>G. VCF-style: chr2-97724444-A-G. GRCh37 (hg19) VCF-style: chr2-98340907-A-G.
Other names: c.402+6A>G (NM_001378594.1).
Identifiers: ClinVar variation 1466173 (VCV001466173.6), dbSNP rs765313500, ClinGen allele CA1790061.
Genomic context (GRCh38, chr2:97,724,444, plus strand): 5'-CTGCCTGCGAGACGCCATGGTGCGTGACTACGTGCGCCAGACGTGGAAGCTGGAGGTGAG[A>G]GCGCAGCCTGGGGCGCGGGGTCTGGAGGGGCGTGGCCGAAGAGGGGCAGTCGAGGGTTTT-3'